The following is an entry in ClinVar:

ClinVar aggregate classification (germline): Uncertain significance (1 of 4 stars; one submission).

Allele frequency attached by ClinVar (database versions not stated): gnomAD exomes 0.00001; TOPMed 0.00001; ExAC 0.00003.
gnomAD v4.1: 12 of 1,588,504 alleles (0.00076%); highest among the groups gnomAD compares: African/African-American, 0.0013%; no homozygotes.

Submission:

Labcorp Genetics (formerly Invitae), Labcorp
Classification: Uncertain significance. Last evaluated: 2024-12-02. Review status: criteria provided, single submitter. Criteria: Invitae Variant Classification Sherloc (09022015). Collection method: clinical testing. Allele origin: germline.
Comment: This sequence change falls in intron 19 of the COL18A1 gene. It does not directly change the encoded amino acid sequence of the COL18A1 protein. It affects a nucleotide within the consensus splice site. The frequency data for this variant in the population databases is considered unreliable, as metrics indicate poor data quality at this position in the gnomAD database. This variant has not been reported in the literature in individuals affected with COL18A1-related conditions. ClinVar contains an entry for this variant (Variation ID: 1490646). Variants that disrupt the consensus splice site are a relatively common cause of aberrant splicing (PMID: 17576681, 9536098). Algorithms developed to predict the effect of sequence changes on RNA splicing suggest that this variant is not likely to affect RNA splicing. In summary, the available evidence is currently insufficient to determine the role of this variant in disease. Therefore, it has been classified as a Variant of Uncertain Significance.

Literature cited by the submitters: PubMed 17576681; PubMed 9536098.

NM_001379500.1(COL18A1):c.1959+6C>T

Gene: COL18A1 (collagen type XVIII alpha 1 chain; plus strand). Cytogenetic location: 21q22.3.
Variant type: single nucleotide variant.
Coding change: c.1959+6C>T on transcript NM_001379500.1 (MANE Select); 6 bases into the intron after coding-DNA position 1959, C replaced by T.
Molecular consequence: intron variant.
Genome position (GRCh38, 1-based): chr21:45,489,527, C>T. VCF-style: chr21-45489527-C-T. GRCh37 (hg19) VCF-style: chr21-46909441-C-T.
Other names: c.3204+6C>T (NM_130444.3); c.2499+6C>T (NM_030582.4).
Identifiers: ClinVar variation 1490646 (VCV001490646.5), dbSNP rs768552772, ClinGen allele CA10066697.
Genomic context (GRCh38, chr21:45,489,527, plus strand): 5'-AGCCCCTTTTTTCACTTAGGGGGATCCTGGCGTGCCTGGGCTGCCGGGGGCGAAGGTAAG[C>T]GCTGTGCCCGGGTTCAGGGACGTGGCCAGGCAGAGGCAGGGAGGGCCCAGCCGGACACCT-3'